The following is an entry in ClinVar:

NM_001042492.3(NF1):c.5734_5735insATA (p.Ile1911_Ser1912insAsn)

Gene: NF1 (neurofibromin 1; plus strand). Cytogenetic location: 17q11.2.
Variant type: Insertion.
Coding change: c.5734_5735insATA on transcript NM_001042492.3 (MANE Select); coding-DNA positions 5734 to 5735, ATA inserted.
Protein change: p.Ile1911_Ser1912insAsn.
Molecular consequence: inframe insertion. On other transcripts: inframe indel (1).
Genome position: GRCh38 VCF-style: chr17-31330418-T-TTAA. GRCh37 (hg19) VCF-style: chr17-29657436-T-TTAA.
Other names: c.5671_5672insATA, p.Ile1890_Ser1891insAsn (NM_000267.4).
Identifiers: ClinVar variation 2711126 (VCV002711126.3), dbSNP rs2508718895, ClinGen allele CA2697559553.

ClinVar aggregate classification (germline): Uncertain significance (1 of 4 stars; one submission).

Conditions:
Neurofibromatosis, type 1 (NF1). Also called: Peripheral type neurofibromatosis; VON RECKLINGHAUSEN DISEASE; NEUROFIBROMATOSIS, TYPE I, SOMATIC; Neurofibromatosis, type I. Identifiers: Orphanet 636, MedGen C0027831, MONDO:0018975, OMIM 162200. Disease mechanism: loss of function.

Submission:

Labcorp Genetics (formerly Invitae), Labcorp
Classification: Uncertain significance for Neurofibromatosis, type 1. Last evaluated: 2024-01-24. Review status: criteria provided, single submitter. Criteria: Invitae Variant Classification Sherloc (09022015). Collection method: clinical testing. Allele origin: germline.
Comment: This variant, c.5671_5672insATA, results in the insertion of 1 amino acid(s) of the NF1 protein (p.Ile1890_Ser1891insAsn), but otherwise preserves the integrity of the reading frame. This variant is not present in population databases (gnomAD no frequency). This variant has not been reported in the literature in individuals affected with NF1-related conditions. Algorithms developed to predict the effect of sequence changes on RNA splicing suggest that this variant may create or strengthen a splice site. In summary, the available evidence is currently insufficient to determine the role of this variant in disease. Therefore, it has been classified as a Variant of Uncertain Significance.